The following is an entry in ClinVar:

ClinVar aggregate classification (germline): Uncertain significance. Review status: criteria provided, multiple submitters, no conflicts (2 of 4 stars). 2 submissions from 2 submitters: Uncertain significance (2). Last evaluated 2025-09-28.

Conditions:
Inborn genetic diseases. Identifiers: MedGen C0950123, MeSH D030342.

Allele frequency attached by ClinVar (database versions not stated): gnomAD exomes below 0.00001; TOPMed 0.00003.

Submissions (2):

Ambry Genetics
Classification: Uncertain significance for Inborn genetic diseases. Last evaluated: 2025-09-28. Review status: criteria provided, single submitter. Criteria: Ambry Variant Classification Scheme 2023. Collection method: clinical testing. Allele origin: germline.

GeneDx
Classification: Uncertain significance. Last evaluated: 2023-05-24. Review status: criteria provided, single submitter. Criteria: GeneDx Variant Classification Process June 2021. Collection method: clinical testing. Allele origin: germline. Affected: yes.
Comment: Not observed at significant frequency in large population cohorts (gnomAD); In silico analysis supports that this missense variant has a deleterious effect on protein structure/function; Has not been previously published as pathogenic or benign to our knowledge

NM_001145809.2(MYH14):c.482T>C (p.Met161Thr)

Gene: MYH14 (myosin heavy chain 14; plus strand). Cytogenetic location: 19q13.33.
Variant type: single nucleotide variant.
Coding change: c.482T>C on transcript NM_001145809.2 (MANE Select); coding-DNA position 482, T replaced by C.
Protein change: p.Met161Thr; replaces methionine 161 with threonine.
Molecular consequence: missense variant.
Genome position (GRCh38, 1-based): chr19:50,217,691, T>C. VCF-style: chr19-50217691-T-C. GRCh37 (hg19) VCF-style: chr19-50720948-T-C.
Other names: c.482T>C, p.Met161Thr (NM_001077186.2, NM_024729.4); short protein forms M161T.
Identifiers: ClinVar variation 1722864 (VCV001722864.4), dbSNP rs1487901070, ClinGen allele CA406947954.
Genomic context (GRCh38, chr19:50,217,691, plus strand): 5'-TCTGTGTGGTCATCAACCCGTACAAGCAGCTTCCCATCTACACAGAAGCCATTGTGGAGA[T>C]GTACCGGGGCAAGAAGCGCCACGAGGTGCCACCCCACGTGTACGCAGTGACCGAGGGGGC-3'
Protein context (NP_001139281.1, residues 151-171): LPIYTEAIVE[Met161Thr]YRGKKRHEVP